The following is an entry in ClinVar:

ClinVar aggregate classification (germline): Pathogenic. Review status: criteria provided, single submitter (1 of 4 stars). 3 submissions from 3 submitters: Pathogenic (1). 2 of the submissions do not count toward it. Last evaluated 2024-11-21.

Conditions:
CRYGD-related disorder. Also called: CRYGD-related condition.
Aculeiform cataract (CTRCT4). Also called: Fasciculiform cataract; Frosted cataract; Needle-shaped cataract. Identifiers: MedGen C1861832, HP:0010926.
Cataract 4 multiple types. Also called: CATARACT 4, MULTIPLE TYPES, WITH OR WITHOUT MICROCORNEA; CATARACT 4, PUNCTATE; CATARACT 4, CRYSTALLINE; CATARACT 4, CENTRAL NUCLEAR; CATARACT 4, NONNUCLEAR POLYMORPHIC CONGENITAL; CATARACT 4, ACULEIFORM. Identifiers: Orphanet 1377, MedGen C3540850, MONDO:0007281, OMIM 115700.

Submissions (3):

Labcorp Genetics (formerly Invitae), Labcorp
Classification: Pathogenic for Aculeiform cataract. Last evaluated: 2024-11-21. Review status: criteria provided, single submitter. Criteria: Invitae Variant Classification Sherloc (09022015). Collection method: clinical testing. Allele origin: germline.
Comment: This sequence change replaces arginine, which is basic and polar, with histidine, which is basic and polar, at codon 59 of the CRYGD protein (p.Arg59His). This variant is not present in population databases (gnomAD no frequency). This missense change has been observed in individual(s) with the aculeiform-cataract phenotype (PMID: 10521291). It has also been observed to segregate with disease in related individuals. This variant is also known as c.411G>A, p.R58H. ClinVar contains an entry for this variant (Variation ID: 16938). An algorithm developed to predict the effect of missense changes on protein structure and function (PolyPhen-2) suggests that this variant is likely to be tolerated. For these reasons, this variant has been classified as Pathogenic.

PreventionGenetics, part of Exact Sciences
Classification: Uncertain significance for CRYGD-related condition. Last evaluated: 2024-01-08. Review status: no assertion criteria provided. Collection method: clinical testing. Allele origin: germline. Not counted in ClinVar's aggregate classification.
Comment: The CRYGD c.176G>A variant is predicted to result in the amino acid substitution p.Arg59His. In the literature, this variant is also referred to as c.411G>A (p.Arg58His). This variant has been reported in an individuals with aculeiform-cataract (Heon et al 1999. PubMed ID: 10521291). This variant has not been reported in a large population database, indicating this variant is rare. Although we suspect that this variant may be pathogenic, at this time, the clinical significance of this variant is uncertain due to the absence of conclusive functional and genetic evidence.

OMIM
Classification: Pathogenic for CATARACT 4, ACULEIFORM. Last evaluated: 2007-09-01. Review status: no assertion criteria provided. Collection method: literature only. Allele origin: germline. Not counted in ClinVar's aggregate classification.

Literature cited by the submitters: PubMed 10521291 (cited by Labcorp Genetics (formerly Invitae), Labcorp and OMIM); PubMed 17724170 (cited by OMIM).

NM_006891.4(CRYGD):c.176G>A (p.Arg59His)

Genes: CRYGD (crystallin gamma D; minus strand), LOC100507443 (uncharacterized LOC100507443; plus strand). Cytogenetic location: 2q33.3.
Variant type: single nucleotide variant.
Coding change: c.176G>A on transcript NM_006891.4 (MANE Select); coding-DNA position 176, G replaced by A.
Protein change: p.Arg59His; replaces arginine 59 with histidine.
Molecular consequence: missense variant.
Genome position (GRCh38, 1-based): chr2:208,124,188, C>T on the plus strand (G>A on the coding strand, the complement: CRYGD is on the minus strand). VCF-style: chr2-208124188-C-T. GRCh37 (hg19) VCF-style: chr2-208988912-C-T.
Other names: short protein forms R59H.
Identifiers: ClinVar variation 16938 (VCV000016938.12), dbSNP rs121909596, ClinGen allele CA214961.